The following is an entry in ClinVar:

ClinVar aggregate classification (germline): Likely benign. Review status: criteria provided, single submitter (1 of 4 stars). 2 submissions from 2 submitters: Likely benign (1). 1 of the submissions does not count toward it. Last evaluated 2024-09-12.

Conditions:
EXO1-related disorder. Also called: EXO1-related condition.

Allele frequency attached by ClinVar (database versions not stated): ExAC 0.00045; 1000 Genomes Project 30x 0.00094; 1000 Genomes Project 0.00100; gnomAD 0.00129; ESP Exome Variant Server 0.00138; TOPMed 0.00143.
gnomAD v4.1: 403 of 1,614,060 alleles (0.025%); highest among the groups gnomAD compares: African/African-American, 0.45%; no homozygotes.

Submissions (2):

Blueprint Genetics
Classification: Likely benign. Last evaluated: 2024-09-12. Review status: criteria provided, single submitter. Criteria: ACMG Guidelines, 2015. Collection method: clinical testing. Allele origin: germline.

PreventionGenetics, part of Exact Sciences
Classification: Likely benign for EXO1-related condition. Last evaluated: 2019-06-20. Review status: no assertion criteria provided. Collection method: clinical testing. Allele origin: germline. Not counted in ClinVar's aggregate classification.
Comment: This variant is classified as likely benign based on ACMG/AMP sequence variant interpretation guidelines (Richards et al. 2015 PMID: 25741868, with internal and published modifications).

NM_130398.4(EXO1):c.570A>G (p.Gly190=)

Gene: EXO1 (exonuclease 1; plus strand). Cytogenetic location: 1q43.
Variant type: single nucleotide variant.
Coding change: c.570A>G on transcript NM_130398.4 (MANE Select); coding-DNA position 570, A replaced by G.
Protein change: p.Gly190=; no amino-acid change (glycine 190 retained).
Molecular consequence: synonymous variant.
Genome position (GRCh38, 1-based): chr1:241,858,532, A>G. VCF-style: chr1-241858532-A-G. GRCh37 (hg19) VCF-style: chr1-242021834-A-G.
Other names: c.570A>G, p.Gly190= (NM_001319224.2, NM_003686.4, NM_006027.4).
Identifiers: ClinVar variation 3042701 (VCV003042701.3), dbSNP rs4149901, ClinGen allele CA1481106.
Genomic context (GRCh38, chr1:241,858,532, plus strand): 5'-TTCTAGGTATTAACAATTTCCCTTCCTTTTGAAGGTAATTTTAAAGATGGACCAGTTTGG[A>G]AATGGACTTGAAATTGATCAAGCTCGGCTAGGAATGTGCAGACAGCTTGGGGATGTATTC-3'
Protein context (NP_569082.2, residues 180-200): KKVILKMDQF[Gly190=]NGLEIDQARL